The following is an entry in ClinVar:

NM_015559.3(SETBP1):c.3956T>C (p.Met1319Thr)

Gene: SETBP1 (SET binding protein 1; plus strand). Cytogenetic location: 18q12.3.
Variant type: single nucleotide variant.
Coding change: c.3956T>C on transcript NM_015559.3 (MANE Select); coding-DNA position 3956, T replaced by C.
Protein change: p.Met1319Thr; replaces methionine 1319 with threonine.
Molecular consequence: missense variant.
Genome position (GRCh38, 1-based): chr18:44,953,296, T>C. VCF-style: chr18-44953296-T-C. GRCh37 (hg19) VCF-style: chr18-42533261-T-C.
Other names: c.3956T>C, p.Met1319Thr (LRG_1150t1); short protein forms M1319T.
Identifiers: ClinVar variation 493235 (VCV000493235.52), dbSNP rs372615623, ClinGen allele CA8946030.

ClinVar aggregate classification (germline): Benign/Likely benign. Review status: criteria provided, multiple submitters, no conflicts (2 of 4 stars). 4 submissions from 4 submitters: Benign (1); Likely benign (3). Last evaluated 2026-02-02.

Allele frequency attached by ClinVar (database versions not stated): ESP Exome Variant Server 0.00008; gnomAD exomes 0.00009 and 0.00019; gnomAD 0.00011 and 0.00013; ExAC 0.00015; TOPMed 0.00016.

Submissions (4):

Labcorp Genetics (formerly Invitae), Labcorp
Classification: Benign. Last evaluated: 2026-02-02. Review status: criteria provided, single submitter. Criteria: Invitae Variant Classification Sherloc (09022015). Collection method: clinical testing. Allele origin: germline.

CeGaT Center for Human Genetics Tuebingen
Classification: Likely benign. Last evaluated: 2024-11-01. Review status: criteria provided, single submitter. Criteria: CeGaT Center For Human Genetics Tuebingen Variant Classification Criteria Version 2. Collection method: clinical testing. Allele origin: germline. Affected: yes. Observed: 4 variant alleles.
Comment: SETBP1: BP4, BS2

Blueprint Genetics
Classification: Likely benign. Last evaluated: 2024-09-06. Review status: criteria provided, single submitter. Criteria: ACMG Guidelines, 2015. Collection method: clinical testing. Allele origin: germline.

GeneDx
Classification: Likely benign. Last evaluated: 2019-11-21. Review status: criteria provided, single submitter. Criteria: GeneDx Variant Classification Process June 2021. Collection method: clinical testing. Allele origin: germline. Affected: yes.